The following is an entry in ClinVar:

ClinVar aggregate classification (germline): Uncertain significance. Review status: criteria provided, multiple submitters, no conflicts (2 of 4 stars). 2 submissions from 2 submitters: Uncertain significance (2). Last evaluated 2024-10-22.

Allele frequency attached by ClinVar (database versions not stated): ExAC 0.00001; gnomAD exomes 0.00001; gnomAD 0.00003 and 0.00004; TOPMed 0.00006.
gnomAD v4.1: 6 of 1,613,948 alleles (0.00037%); highest among the groups gnomAD compares: Admixed American, 0.0083%; no homozygotes.

Submissions (2):

Labcorp Genetics (formerly Invitae), Labcorp
Classification: Uncertain significance. Last evaluated: 2024-10-22. Review status: criteria provided, single submitter. Criteria: Invitae Variant Classification Sherloc (09022015). Collection method: clinical testing. Allele origin: germline.
Comment: This sequence change replaces aspartic acid, which is acidic and polar, with valine, which is neutral and non-polar, at codon 958 of the CSF1R protein (p.Asp958Val). This variant is present in population databases (rs764837673, gnomAD 0.003%). This missense change has been observed in individual(s) with CSF1R-related conditions (PMID: 33057194). ClinVar contains an entry for this variant (Variation ID: 432746). Invitae Evidence Modeling of protein sequence and biophysical properties (such as structural, functional, and spatial information, amino acid conservation, physicochemical variation, residue mobility, and thermodynamic stability) indicates that this missense variant is not expected to disrupt CSF1R protein function with a negative predictive value of 95%. In summary, the available evidence is currently insufficient to determine the role of this variant in disease. Therefore, it has been classified as a Variant of Uncertain Significance.

GeneDx
Classification: Uncertain significance. Last evaluated: 2017-06-22. Review status: criteria provided, single submitter. Criteria: GeneDx Variant Classification (06012015). Collection method: clinical testing. Allele origin: germline. Affected: yes.
Comment: The D958V variant has not been published as a pathogenic variant, nor has it been reported as a benign variant to our knowledge. The D958V variant is observed in 1/11,348 (0.01%) alleles from an individual of Latino background (Lek et al., 2016; 1000 Genomes Consortium et al., 2015; Exome Variant Server). This substitution occurs at a position where amino acids with similar properties to Aspartic acid are tolerated across species. However, this variant is a non-conservative amino acid substitution, which is likely to impact secondary protein structure as these residues differ in polarity, charge, size and/or other properties. In silico analysis is inconsistent in its predictions as to whether or not the variant is damaging to the protein structure/function.

Literature cited by the submitters: PubMed 33057194 (cited by Labcorp Genetics (formerly Invitae), Labcorp).

NM_001288705.3(CSF1R):c.2873A>T (p.Asp958Val)

Gene: CSF1R (colony stimulating factor 1 receptor; minus strand). Cytogenetic location: 5q32.
Variant type: single nucleotide variant.
Coding change: c.2873A>T on transcript NM_001288705.3 (MANE Select); coding-DNA position 2873, A replaced by T.
Protein change: p.Asp958Val; replaces aspartic acid 958 with valine.
Molecular consequence: missense variant. On other transcripts: non-coding transcript variant (2).
Genome position (GRCh38, 1-based): chr5:150,054,115, T>A on the plus strand (A>T on the coding strand, the complement: CSF1R is on the minus strand). VCF-style: chr5-150054115-T-A. GRCh37 (hg19) VCF-style: chr5-149433678-T-A.
Other names: c.2873A>T, p.Asp958Val (NM_001349736.2, NM_001375320.1, NM_005211.4); c.2429A>T, p.Asp810Val (NM_001375321.1); short protein forms D958V, D810V.
Identifiers: ClinVar variation 432746 (VCV000432746.4), dbSNP rs764837673, ClinGen allele CA3506292.
Genomic context (GRCh38, chr5:150,054,115, plus strand): 5'-CTGTCGTCAACTCCTCAGCAGAACTGATAGTTGTTGGGCTGCAGCAAGGGCTGGGCGATA[T>A]CCCCTTGCTCGCAGCAGGTCAGGTGCTCACTAGAGCTCTCCTCCTCCAGCTCACTGCTGC-3'
Protein context (NP_001275634.1, residues 948-968): SEHLTCCEQG[Asp958Val]IAQPLLQPNN